The following is an entry in ClinVar:

ClinVar aggregate classification (germline): Benign/Likely benign. Review status: criteria provided, multiple submitters, no conflicts (2 of 4 stars). 5 submissions from 5 submitters: Benign (3); Likely benign (2). Last evaluated 2026-01-24.

Conditions:
Retinitis pigmentosa (RP). Identifiers: Orphanet 791, MedGen C0035334, MeSH D012174, MONDO:0019200, OMIM 268000. Inheritance: Autosomal dominant, autosomal recessive and X linked inheritance.
Retinal dystrophy. Also called: Inherited retinal dystrophy. Identifiers: Orphanet 71862, MedGen C0854723, MeSH D058499, MONDO:0019118, HP:0000556.

Allele frequency attached by ClinVar (database versions not stated): gnomAD exomes 0.00178 and 0.00435; ExAC 0.00513; 1000 Genomes Project 0.01438; 1000 Genomes Project 30x 0.01468; gnomAD 0.01530 and 0.01655; ESP Exome Variant Server 0.01784; TOPMed 0.01818.
gnomAD v4.1: 5,076 of 1,614,002 alleles (0.31%); highest among the groups gnomAD compares: African/African-American, 5.2%; 117 homozygotes.

Submissions (5):

Labcorp Genetics (formerly Invitae), Labcorp
Classification: Benign. Last evaluated: 2026-01-24. Review status: criteria provided, single submitter. Criteria: Invitae Variant Classification Sherloc (09022015). Collection method: clinical testing. Allele origin: germline.

Dept Of Ophthalmology, Nagoya University
Classification: Benign for Retinal dystrophy. Last evaluated: 2023-10-01. Review status: criteria provided, single submitter. Criteria: Submitter's publication. Collection method: research. Allele origin: germline. Affected: yes.

Illumina Laboratory Services, Illumina
Classification: Likely benign for Retinitis pigmentosa. Last evaluated: 2018-01-12. Review status: criteria provided, single submitter. Criteria: ICSL Variant Classification Criteria 13 December 2019. Collection method: clinical testing. Allele origin: germline.
Comment: This variant was observed in the ICSL laboratory as part of a predisposition screen in an ostensibly healthy population. It had not been previously curated by ICSL or reported in the Human Gene Mutation Database (HGMD: prior to June 1st, 2018), and was therefore a candidate for classification through an automated scoring system. Utilizing variant allele frequency, disease prevalence and penetrance estimates, and inheritance mode, an automated score was calculated to assess if this variant is too frequent to cause the disease. Based on the score and internal cut-off values, a variant classified as likely benign is not then subjected to further curation. The score for this variant resulted in a classification of likely benign for this disease.

GeneDx
Classification: Benign. Last evaluated: 2015-03-03. Review status: criteria provided, single submitter. Criteria: GeneDx Variant Classification Process June 2021. Collection method: clinical testing. Allele origin: germline. Affected: yes.

Breakthrough Genomics
Classification: Likely benign. Review status: criteria provided, single submitter. Criteria: ACMG Guidelines, 2015. Collection method: not provided. Allele origin: germline. Inheritance: Unknown mechanism. Affected: yes.

NM_000440.3(PDE6A):c.1017T>C (p.His339=)

Gene: PDE6A (phosphodiesterase 6A; minus strand). Cytogenetic location: 5q32.
Variant type: single nucleotide variant.
Coding change: c.1017T>C on transcript NM_000440.3 (MANE Select); coding-DNA position 1017, T replaced by C.
Protein change: p.His339=; no amino-acid change (histidine 339 retained).
Molecular consequence: synonymous variant.
Genome position (GRCh38, 1-based): chr5:149,907,360, A>G on the plus strand (T>C on the coding strand, the complement: PDE6A is on the minus strand). VCF-style: chr5-149907360-A-G. GRCh37 (hg19) VCF-style: chr5-149286923-A-G.
Identifiers: ClinVar variation 776077 (VCV000776077.17), dbSNP rs61733364, ClinGen allele CA3504830.
Genomic context (GRCh38, chr5:149,907,360, plus strand): 5'-TATATTACTTACCAGGCCATTCTGGGCAACATAAGCTGGGAGACCGCTTACTAAAGCCCA[A>G]TGGTCAGGAGGTGGATTCCTGTGAAGGCCAAAGACAAAACGGTGACTCTCAGTGCAGGGA-3'
Protein context (NP_000431.2, residues 329-349): IKVIPNPPPD[His339=]WALVSGLPAY